The following is an entry in ClinVar:

ClinVar aggregate classification (germline): Uncertain significance. Review status: criteria provided, multiple submitters, no conflicts (2 of 4 stars). 6 submissions from 6 submitters: Uncertain significance (6). Last evaluated 2026-08-24.

Conditions:
ILDR1-related disorder. Also called: ILDR1-related condition.
Inborn genetic diseases. Identifiers: MedGen C0950123, MeSH D030342.

Allele frequency attached by ClinVar (database versions not stated): gnomAD 0.00005 and 0.00006; gnomAD exomes 0.00006 and 0.00015; ExAC 0.00011; TOPMed 0.00015.
gnomAD v4.1: 101 of 1,613,316 alleles (0.0063%); highest among the groups gnomAD compares: Admixed American, 0.073%; 1 homozygote.

Submissions (6):

PreventionGenetics, part of Exact Sciences
Classification: Uncertain significance for ILDR1-related condition. Last evaluated: 2026-08-24. Review status: criteria provided, single submitter. Criteria: ACMG Guidelines, 2015. Collection method: clinical testing. Allele origin: germline.
Comment: The ILDR1 c.451G>A variant is predicted to result in the amino acid substitution p.Gly151Arg. To our knowledge, this variant has not been reported in the literature. This variant is reported in 0.093% of alleles in individuals of Latino descent in gnomAD. Although we suspect that this variant may be benign, at this time, the clinical significance of this variant is uncertain due to the absence of conclusive functional and genetic evidence.

GeneDx
Classification: Uncertain significance. Last evaluated: 2025-10-28. Review status: criteria provided, single submitter. Criteria: GeneDx Variant Classification Process June 2021. Collection method: clinical testing. Allele origin: germline. Affected: yes.
Comment: In silico analysis supports that this missense variant has a deleterious effect on protein structure/function; Has not been previously published as pathogenic or benign to our knowledge

Ambry Genetics
Classification: Uncertain significance for Inborn genetic diseases. Last evaluated: 2025-01-01. Review status: criteria provided, single submitter. Criteria: Ambry Variant Classification Scheme 2023. Collection method: clinical testing. Allele origin: germline.

Blueprint Genetics
Classification: Uncertain significance. Last evaluated: 2024-09-09. Review status: criteria provided, single submitter. Criteria: ACMG Guidelines, 2015. Collection method: clinical testing. Allele origin: germline.

Labcorp Genetics (formerly Invitae), Labcorp
Classification: Uncertain significance. Last evaluated: 2022-10-03. Review status: criteria provided, single submitter. Criteria: Invitae Variant Classification Sherloc (09022015). Collection method: clinical testing. Allele origin: germline.
Comment: This sequence change replaces glycine, which is neutral and non-polar, with arginine, which is basic and polar, at codon 151 of the ILDR1 protein (p.Gly151Arg). This variant is present in population databases (rs727503098, gnomAD 0.08%). This variant has not been reported in the literature in individuals affected with ILDR1-related conditions. ClinVar contains an entry for this variant (Variation ID: 163701). Algorithms developed to predict the effect of missense changes on protein structure and function (SIFT, PolyPhen-2, Align-GVGD) all suggest that this variant is likely to be disruptive. In summary, the available evidence is currently insufficient to determine the role of this variant in disease. Therefore, it has been classified as a Variant of Uncertain Significance.

Laboratory for Molecular Medicine, Mass General Brigham Personalized Medicine
Classification: Uncertain significance. Last evaluated: 2014-11-10. Review status: criteria provided, single submitter. Criteria: LMM Criteria. Collection method: clinical testing. Allele origin: germline. Observed: 1 variant allele.
Comment: The p.Gly151Arg variant in ILDR1 has not been previously reported in individuals with hearing loss or in large population studies. Computational prediction tool s and conservation analyses suggest that the p.Gly151Arg variant may impact the protein, though this information is not predictive enough to determine pathogeni city. In summary, the clinical significance of the p.Gly151Arg variant is uncert ain.

NM_001199799.2(ILDR1):c.451G>A (p.Gly151Arg)

Gene: ILDR1 (immunoglobulin like domain containing receptor 1; minus strand). Cytogenetic location: 3q13.33.
Variant type: single nucleotide variant.
Coding change: c.451G>A on transcript NM_001199799.2 (MANE Select); coding-DNA position 451, G replaced by A.
Protein change: p.Gly151Arg; replaces glycine 151 with arginine.
Molecular consequence: missense variant. On other transcripts: intron variant (1).
Genome position (GRCh38, 1-based): chr3:122,001,793, C>T on the plus strand (G>A on the coding strand, the complement: ILDR1 is on the minus strand). VCF-style: chr3-122001793-C-T. GRCh37 (hg19) VCF-style: chr3-121720640-C-T.
Other names: c.451G>A, p.Gly151Arg (NM_175924.4); c.379+3451G>A (NM_001199800.2); short protein forms G151R.
Identifiers: ClinVar variation 163701 (VCV000163701.15), dbSNP rs727503098, ClinGen allele CA176365.